The following is an entry in ClinVar:

ClinVar aggregate classification (germline): Uncertain significance (1 of 4 stars; one submission).

Conditions:
Gastrointestinal stromal tumor. Also called: Gastrointestinal stroma tumor; Gastrointestinal stromal tumor, somatic. Identifiers: Orphanet 44890, MedGen C0238198, MeSH D046152, MONDO:0011719, OMIM 606764, HP:0100723.

Submission:

Labcorp Genetics (formerly Invitae), Labcorp
Classification: Uncertain significance for Gastrointestinal stromal tumor. Last evaluated: 2017-03-20. Review status: criteria provided, single submitter. Criteria: Invitae Variant Classification Sherloc (09022015). Collection method: clinical testing. Allele origin: germline.
Comment: In summary, this variant is a novel missense change with uncertain impact on protein function. It has been classified as a Variant of Uncertain Significance. Algorithms developed to predict the effect of missense changes on protein structure and function do not agree on the potential impact of this missense change (SIFT: "Deleterious"; PolyPhen-2: "Probably Damaging"; Align-GVGD: "Class C0"). This variant is not present in population databases (ExAC no frequency) and has not been reported in the literature in individuals with a PDGFRA-related disease. This sequence change replaces leucine with proline at codon 970 of the PDGFRA protein (p.Leu970Pro). The leucine residue is highly conserved and there is a moderate physicochemical difference between leucine and proline.

NM_006206.6(PDGFRA):c.2909T>C (p.Leu970Pro)

Gene: PDGFRA (platelet derived growth factor receptor alpha; plus strand). Cytogenetic location: 4q12.
Variant type: single nucleotide variant.
Coding change: c.2909T>C on transcript NM_006206.6 (MANE Select); coding-DNA position 2909, T replaced by C.
Protein change: p.Leu970Pro; replaces leucine 970 with proline.
Molecular consequence: missense variant.
Genome position (GRCh38, 1-based): chr4:54,290,341, T>C. VCF-style: chr4-54290341-T-C. GRCh37 (hg19) VCF-style: chr4-55156508-T-C.
Other names: c.2984T>C, p.Leu995Pro (NM_001347828.2); c.2909T>C, p.Leu970Pro (NM_001347829.2); c.2948T>C, p.Leu983Pro (NM_001347830.2); short protein forms L970P, L983P, L995P.
Identifiers: ClinVar variation 459075 (VCV000459075.9), dbSNP rs1553906621, ClinGen allele CA356895969.